The following is an entry in ClinVar:

NM_001386140.1(MTTP):c.1064T>C (p.Val355Ala)

Gene: MTTP (microsomal triglyceride transfer protein; plus strand). Cytogenetic location: 4q23.
Variant type: single nucleotide variant.
Coding change: c.1064T>C on transcript NM_001386140.1 (MANE Select); coding-DNA position 1064, T replaced by C.
Protein change: p.Val355Ala; replaces valine 355 with alanine.
Molecular consequence: missense variant.
Genome position (GRCh38, 1-based): chr4:99,597,221, T>C. VCF-style: chr4-99597221-T-C. GRCh37 (hg19) VCF-style: chr4-100518378-T-C.
Other names: c.1064T>C, p.Val355Ala (NM_000253.4); c.815T>C, p.Val272Ala (NM_001300785.2); short protein forms V272A, V355A.
Identifiers: ClinVar variation 1346490 (VCV001346490.5), dbSNP rs764916174, ClinGen allele CA3022014.

ClinVar aggregate classification (germline): Uncertain significance (1 of 4 stars; one submission).

Allele frequency attached by ClinVar (database versions not stated): ExAC 0.00001; gnomAD exomes 0.00001.
gnomAD v4.1: 9 of 1,613,018 alleles (0.00056%); highest among the groups gnomAD compares: African/African-American, 0.0013%; no homozygotes.

Submission:

Labcorp Genetics (formerly Invitae), Labcorp
Classification: Uncertain significance. Last evaluated: 2021-08-30. Review status: criteria provided, single submitter. Criteria: Invitae Variant Classification Sherloc (09022015). Collection method: clinical testing. Allele origin: germline.
Comment: This sequence change replaces valine with alanine at codon 355 of the MTTP protein (p.Val355Ala). The valine residue is moderately conserved and there is a small physicochemical difference between valine and alanine. This variant is present in population databases (rs764916174, ExAC 0.006%). This variant has not been reported in the literature in individuals affected with MTTP-related conditions. Algorithms developed to predict the effect of missense changes on protein structure and function (SIFT, PolyPhen-2, Align-GVGD) all suggest that this variant is likely to be tolerated. In summary, the available evidence is currently insufficient to determine the role of this variant in disease. Therefore, it has been classified as a Variant of Uncertain Significance.